The following is an entry in ClinVar:

NC_000023.10:g.(?_32563256)_(32867957_?)del

Gene: DMD (dystrophin; minus strand). Cytogenetic location: Xp21.1.
Variant type: Deletion.
Identifiers: ClinVar variation 2424831 (VCV002424831.4).

ClinVar aggregate classification (germline): Pathogenic (1 of 4 stars; one submission).

Conditions:
Duchenne muscular dystrophy (DMD). Also called: Duchenne Muscular Dystrophy (DMD); MUSCULAR DYSTROPHY, PSEUDOHYPERTROPHIC PROGRESSIVE, DUCHENNE TYPE. Identifiers: Orphanet 98896, MedGen C0013264, MONDO:0010679, OMIM 310200.

Submission:

Labcorp Genetics (formerly Invitae), Labcorp
Classification: Pathogenic for Duchenne muscular dystrophy. Last evaluated: 2022-09-12. Review status: criteria provided, single submitter. Criteria: Invitae Variant Classification Sherloc (09022015). Collection method: clinical testing. Allele origin: germline.
Comment: This variant is a gross deletion of the genomic region encompassing exon(s) 3-17 of the DMD gene. This deletion is out-of-frame, and is expected to create a premature termination codon and result in an absent or disrupted protein product. Loss-of-function variants in DMD are known to be pathogenic (PMID: 16770791, 25007885). A similar copy number variant has been observed in individuals with a DMD-related disease (PMID: 14977063, 16030524). For these reasons, this variant has been classified as Pathogenic.

Literature cited by the submitters: PubMed 16770791; PubMed 25007885; PubMed 14977063; PubMed 16030524.